The following continues an entry in ClinVar:

NM_144773.4(PROKR2):c.518T>G (p.Leu173Arg)

Gene: PROKR2. ClinVar aggregate classification (germline): Conflicting classifications of pathogenicity. Uncertain significance (5); Benign (1); Likely benign (5).

Submissions 12 to 15 of 15:

Department of Pathology and Laboratory Medicine, Sinai Health System
Classification: Uncertain significance. Review status: no assertion criteria provided. Collection method: clinical testing. Allele origin: unknown. Affected: yes. Study: The Canadian Open Genetics Repository (COGR). Not counted in ClinVar's aggregate classification.
Comment: The PROKR2 p.Leu173Arg variant was identified in several compound heterozygous and homozygous individuals with idiopathic central hypogonadism, as well as a four heterozygous individuals with complex congenital hypopituitarism (Stefanija_2012_PMID:22773735; McCabe_2013_PMID:23386640; Dode_2006_PMID: 17054399; Cole_2008_PMID:18559922). Pathogenic variants in the PROKR2 gene have been reported to associate with the autosomal recessive form of isolated gondotropin-releasing hormone (GnRH) deficiency. In familial cases, this variant is shown to segregate with disease. However, this variant is also seen in unaffected homozygous and heterozygous individuals, which is inconsistent with the autosomal recessive form of GnRH deficiency (McCabe_2013_PMID:23386640; Dode_2006_PMID: 17054399). The variant was identified in dbSNP (ID: rs74315416), LOVD 3.0 and ClinVar (classified as likely benign by Invitae, Illumina and Division of Genomic Diagnostics, Children's Hospital of Philadelphia, as uncertain significance by GeneDx and Mendelics, and as pathogenic by Athena Diagnostics). The variant was identified in control databases in 621 of 282842 chromosomes (4 homozygous) at a frequency of 0.002196 increasing the likelihood this could be a low frequency benign variant (Genome Aggregation Database March 6, 2019, v2.1.1). The variant was observed in the following populations: Ashkenazi Jewish in 65 of 10370 chromosomes (freq: 0.006268), European (non-Finnish) in 429 of 129164 chromosomes (freq: 0.003321), Latino in 81 of 35436 chromosomes (freq: 0.002286), Other in 15 of 7222 chromosomes (freq: 0.002077), African in 21 of 24964 chromosomes (freq: 0.000841), South Asian in 9 of 30616 chromosomes (freq: 0.000294) and European (Finnish) in 1 of 25118 chromosomes (freq: 0.00004), but was not observed in the East Asian population. The p.Leu173 residue is conserved across mammals and other organisms, and computational analyses (PolyPhen-2, SIFT, AlignGVGD, BLOSUM, MutationTaster) suggest that the variant may impact the protein; however, this information is not predictive enough to assume pathogenicity. Functional studies reveal that this variant causes impaired protein activity by affecting normal protein localization to the cell surface (Libri_2014_PMID:24276467; Monnier_2009_PMID:18826963; Cole_2008_PMID:18559922). The variant occurs outside of the splicing consensus sequence and in silico or computational prediction software programs (SpliceSiteFinder, MaxEntScan, NNSPLICE, GeneSplicer) do not predict a difference in splicing. In summary, based on the above information the clinical significance of this variant cannot be determined with certainty at this time. This variant is classified as a variant of uncertain significance.

MAGI's Lab - Research, MAGI Group
Classification: Uncertain significance for Infertility disorder. Review status: no assertion criteria provided. Collection method: provider interpretation. Allele origin: germline. Affected: yes. Not counted in ClinVar's aggregate classification.

NHS Central & South Genomic Laboratory Hub
Classification: Likely pathogenic for Hypogonadotropic hypogonadism. Last evaluated: 2024-11-11. Review status: flagged submission. Criteria: ACMG Guidelines, 2015. Collection method: clinical testing. Allele origin: germline. Affected: yes. Not counted in ClinVar's aggregate classification.
ClinVar note: Reason: Outlier claim with insufficient supporting evidence

OMIM
Classification: Pathogenic for HYPOGONADOTROPIC HYPOGONADISM 3 WITH ANOSMIA. Last evaluated: 2009-01-01. Review status: flagged submission. Collection method: literature only. Allele origin: germline. Not counted in ClinVar's aggregate classification.
ClinVar note: Reason: Older and outlier claim with insufficient supporting evidence

Literature cited by the submitters: PubMed 16537498 (cited by Athena Diagnostics); PubMed 23386640 (cited by Athena Diagnostics and OMIM); PubMed 18559922 (cited by 3 submitters); PubMed 18826963 (cited by 3 submitters); PubMed 24276467 (cited by Athena Diagnostics); PubMed 24830383 (cited by Athena Diagnostics); PubMed 29161432 (cited by Athena Diagnostics); PubMed 17054399 (cited by 3 submitters); PubMed 18682503 (cited by Athena Diagnostics and Illumina Laboratory Services, Illumina); PubMed 18723471 (cited by Athena Diagnostics and Illumina Laboratory Services, Illumina); PubMed 20022991 (cited by Athena Diagnostics and Illumina Laboratory Services, Illumina); PubMed 20696889 (cited by Athena Diagnostics); PubMed 21209029 (cited by Athena Diagnostics); PubMed 21247312 (cited by Athena Diagnostics); PubMed 22035731 (cited by Athena Diagnostics); PubMed 22466334 (cited by Athena Diagnostics and OMIM); PubMed 22773735 (cited by Athena Diagnostics and Illumina Laboratory Services, Illumina); PubMed 23643382 (cited by Athena Diagnostics); PubMed 24031091 (cited by Athena Diagnostics); PubMed 37338295 (cited by OMIM).